The following is an entry in ClinVar:

NM_017644.3(KLHL24):c.2T>C (p.Met1Thr)

Gene: KLHL24 (kelch like family member 24; plus strand). Cytogenetic location: 3q27.1.
Variant type: single nucleotide variant.
Coding change: c.2T>C on transcript NM_017644.3 (MANE Select); coding-DNA position 2, T replaced by C.
Protein change: p.Met1Thr; changes the start codon (methionine 1).
Molecular consequence: missense variant, initiator codon variant. On other transcripts: 5 prime UTR variant (2), non-coding transcript variant (2).
Genome position (GRCh38, 1-based): chr3:183,650,358, T>C. VCF-style: chr3-183650358-T-C. GRCh37 (hg19) VCF-style: chr3-183368146-T-C.
Other names: VAL2-MET29 DEL, 2T-C; c.2T>C, p.Met1Thr (NM_001349413.1, NM_001349414.1, NM_001349415.1 and 11 more transcripts); c.-965T>C (NM_001349428.1, NM_001349429.1); short protein forms M1T.
Identifiers: ClinVar variation 370042 (VCV000370042.6), dbSNP rs1057515580, ClinGen allele CA16040629.
Genomic context (GRCh38, chr3:183,650,358, plus strand): 5'-ACATAAAGAAGATCCCTAATAGTCATTTCTCAACAATTATATAGTCAACTGATGTAACAA[T>C]GGTACTAATATTGGGACGCAGACTAAACAGAGAGGATCTTGGGGTGCGTGATTCCCCAGC-3'
Protein context (NP_060114.2, residues 1-11): [Met1Thr]VLILGRRLNR

ClinVar aggregate classification (germline): Pathogenic. Review status: criteria provided, single submitter (1 of 4 stars). 2 submissions from 2 submitters: Pathogenic (1). 1 of the submissions does not count toward it. Last evaluated 2016-08-01.

Conditions:
Epidermolysis bullosa simplex, Koebner type. Identifiers: Orphanet 79399, MedGen C5561924, MONDO:0007554, OMIM 131900.
Epidermolysis bullosa simplex 6, generalized, with scarring and hair loss (EBS6). Also called: Epidermolysis bullosa simplex, generalized, with scarring and hair loss; EPIDERMOLYSIS BULLOSA SIMPLEX 6, GENERALIZED INTERMEDIATE, WITH SCARRING AND HAIR LOSS, WITH OR WITHOUT DILATED CARDIOMYOPATHY; Epidermolysis bullosa simplex 6, generalized intermediate, with or without cardiomyopathy. Identifiers: Orphanet 508529, MedGen C4310631, MONDO:0015006, OMIM 617294.

Submissions (2):

Lab of Molecular Dermatology, University Medical Center Freiburg
Classification: Pathogenic for Epidermolysis bullosa simplex, Koebner type. Last evaluated: 2016-08-01. Review status: criteria provided, single submitter. Criteria: Yinghong He Am J Hum Genet. 2016. Collection method: research. Allele origin: de novo, not applicable. Inheritance: Autosomal dominant inheritance. Affected: yes. Observed: 1 variant allele, 1 heterozygote.
Comment: This variant causes skin fragility as demonstrated by the correlation between genotype and phenotype in the family and functional studies.

OMIM
Classification: Pathogenic for EPIDERMOLYSIS BULLOSA SIMPLEX 6, GENERALIZED INTERMEDIATE, WITH SCARRING AND HAIR LOSS. Last evaluated: 2023-02-08. Review status: no assertion criteria provided. Collection method: literature only. Allele origin: germline. Not counted in ClinVar's aggregate classification.

Literature cited by the submitters: PubMed 27889062 (cited by OMIM); PubMed 30226531 (cited by OMIM); PubMed 34740256 (cited by OMIM).